The following is an entry in ClinVar:

ClinVar aggregate classification (germline): Likely benign (1 of 4 stars; one submission).

Allele frequency attached by ClinVar (database versions not stated): 1000 Genomes Project 0.00100; 1000 Genomes Project 30x 0.00109; TOPMed 0.00231; gnomAD 0.00239; ESP Exome Variant Server 0.00262; ExAC 0.00315.
gnomAD v4.1: 4,661 of 1,613,060 alleles (0.29%); highest among the groups gnomAD compares: Non-Finnish European, 0.3%; 11 homozygotes.

Submissions (3):

CeGaT Center for Human Genetics Tuebingen
Classification: Likely benign. Last evaluated: 2026-07-01. Review status: criteria provided, single submitter. Criteria: CeGaT Center For Human Genetics Tuebingen Variant Classification Criteria Version 2. Collection method: clinical testing. Allele origin: germline. Affected: yes. Observed: 6 variant alleles.
Comment: ABCA13: BS1

Dr. Peter K. Rogan Lab, Western University
No classification provided (evidence only). Condition: Thyroid cancer, nonmedullary, 1. Review status: no classification provided. Collection method: in vitro. Allele origin: not applicable. Functional consequence: retained intron. Not counted in ClinVar's aggregate classification.

Dr. Peter K. Rogan Lab, Western University
No classification provided (evidence only). Condition: Malignant tumor of esophagus. Review status: no classification provided. Collection method: in vitro. Allele origin: not applicable. Functional consequence: retained intron. Not counted in ClinVar's aggregate classification.

NM_152701.5(ABCA13):c.14527C>T (p.Arg4843Cys)

Gene: ABCA13 (ATP binding cassette subfamily A member 13; plus strand). Cytogenetic location: 7p12.3.
Variant type: single nucleotide variant.
Coding change: c.14527C>T on transcript NM_152701.5 (MANE Select); coding-DNA position 14527, C replaced by T.
Protein change: p.Arg4843Cys; replaces arginine 4843 with cysteine.
Molecular consequence: missense variant.
Genome position (GRCh38, 1-based): chr7:48,587,175, C>T. VCF-style: chr7-48587175-C-T. GRCh37 (hg19) VCF-style: chr7-48626771-C-T.
Other names: NC_000007.13:g.48626771C>T; short protein forms R4843C.
Identifiers: ClinVar variation 2657495 (VCV002657495.25), dbSNP rs61737750, ClinGen allele CA4259689.